The following is an entry in ClinVar:

NM_001142966.3(GREB1L):c.4940C>T (p.Ser1647Phe)

Gene: GREB1L (GREB1 like retinoic acid receptor coactivator; plus strand). Cytogenetic location: 18q11.2.
Variant type: single nucleotide variant.
Coding change: c.4940C>T on transcript NM_001142966.3 (MANE Select); coding-DNA position 4940, C replaced by T.
Protein change: p.Ser1647Phe; replaces serine 1647 with phenylalanine.
Molecular consequence: missense variant.
Genome position (GRCh38, 1-based): chr18:21,515,455, C>T. VCF-style: chr18-21515455-C-T. GRCh37 (hg19) VCF-style: chr18-19095416-C-T.
Other names: c.5069C>T, p.Ser1690Phe (NM_001410867.1); c.4613C>T, p.Ser1538Phe (NM_001410868.1); short protein forms S1538F, S1647F, S1690F.
Identifiers: ClinVar variation 3777269 (VCV003777269.1).

ClinVar aggregate classification (germline): Uncertain significance (1 of 4 stars; one submission).

Submission:

GeneDx
Classification: Uncertain significance. Last evaluated: 2024-10-11. Review status: criteria provided, single submitter. Criteria: GeneDx Variant Classification Process June 2021. Collection method: clinical testing. Allele origin: germline. Affected: yes.
Comment: Not observed at significant frequency in large population cohorts (gnomAD); In silico analysis supports that this missense variant has a deleterious effect on protein structure/function; Has not been previously published as pathogenic or benign to our knowledge